The following is an entry in ClinVar:

NC_000010.10:g.(?_88659541)_(88683486_?)dup

Gene: BMPR1A (bone morphogenetic protein receptor type 1A; plus strand). Cytogenetic location: 10q23.2.
Variant type: Duplication.
Identifiers: ClinVar variation 648518 (VCV000648518.2).

ClinVar aggregate classification (germline): Uncertain significance (1 of 4 stars; one submission).

Conditions:
Generalized juvenile polyposis/juvenile polyposis coli. Also called: Juvenile polyposis coli. Identifiers: Orphanet 329971, MedGen C1868081, MONDO:0008276.

Submission:

Labcorp Genetics (formerly Invitae), Labcorp
Classification: Uncertain significance for Juvenile polyposis syndrome. Last evaluated: 2019-01-30. Review status: criteria provided, single submitter. Criteria: Invitae Variant Classification Sherloc (09022015). Collection method: clinical testing. Allele origin: germline.
Comment: This variant results in a copy number gain of the genomic region encompassing exons 6-13 of the BMPR1A gene. The 5' boundary is likely confined to intron 5. The 3' end of this event is unknown as it extends beyond the assayed region for this gene and therefore may encompass additional genes. As the precise location of this event is unknown, it may be in tandem or it may be located elsewhere in the genome. This variant has not been reported in the literature in individuals with BMPR1A-related conditions. In summary, the available evidence is currently insufficient to determine the role of this variant in disease. Therefore, it has been classified as a Variant of Uncertain Significance.